The following is an entry in ClinVar:

NM_022787.4(NMNAT1):c.*10A>G

Gene: NMNAT1 (nicotinamide nucleotide adenylyltransferase 1; plus strand). Cytogenetic location: 1p36.22.
Variant type: single nucleotide variant.
Coding change: c.*10A>G on transcript NM_022787.4 (MANE Select); 10 bases downstream of the stop codon, A replaced by G.
Molecular consequence: 3 prime UTR variant.
Genome position (GRCh38, 1-based): chr1:9,982,711, A>G. VCF-style: chr1-9982711-A-G. GRCh37 (hg19) VCF-style: chr1-10042769-A-G.
Other names: c.*10A>G (NM_001297778.1).
Identifiers: ClinVar variation 4997269 (VCV004997269.1).
Genomic context (GRCh38, chr1:9,982,711, plus strand): 5'-GGGGTCATCCTGGCCCCTTTGCAGAGAAACACTGCAGAAGCTAAGACATAGGAATTCTAC[A>G]GCATGATATTTCAGACTTCCCATTTGGGGATCTGAAACAATCTGGGAGTTAATAACTGGG-3'

ClinVar aggregate classification (germline): Likely benign (1 of 4 stars; one submission).

Conditions:
NMNAT1-related disorder. Also called: NMNAT1-related condition.

gnomAD v4.1: 14 of 1,576,294 alleles (0.00089%); highest among the groups gnomAD compares: Admixed American, 0.023%; 1 homozygote.

Submission:

PreventionGenetics, part of Exact Sciences
Classification: Likely benign for NMNAT1-related condition. Last evaluated: 2025-03-05. Review status: criteria provided, single submitter. Criteria: ACMG Guidelines, 2015. Collection method: clinical testing. Allele origin: germline.
Comment: This variant is classified as likely benign based on ACMG/AMP sequence variant interpretation guidelines (Richards et al. 2015 PMID: 25741868, with internal and published modifications).